The following is an entry in ClinVar:

NM_015631.6(TCTN3):c.1441dup (p.Cys481fs)

Gene: TCTN3 (tectonic family member 3; minus strand). Cytogenetic location: 10q24.1.
Variant type: Duplication.
Coding change: c.1441dup on transcript NM_015631.6 (MANE Select); coding-DNA position 1441, one base duplicated (T; older notation c.1441dupT).
Protein change: p.Cys481fs; shifts the reading frame from cysteine 481.
Molecular consequence: frameshift variant.
Genome position (GRCh38, 1-based): chr10:95,682,662, A duplicated on the plus strand (T on the coding strand, the reverse complement: TCTN3 is on the minus strand). VCF-style (leftmost placement, unchanged base first): chr10-95682661-C-CA. GRCh37 (hg19) VCF-style: chr10-97442418-C-CA.
Other names: c.997dup, p.Cys333fs (NM_001143973.2); c.1345dup, p.Cys449fs (NM_001410982.1); c.1441dupT (NM_015631.6); short protein forms C333fs, C449fs, C481fs.
Identifiers: ClinVar variation 3629937 (VCV003629937.1).

ClinVar aggregate classification (germline): Uncertain significance (1 of 4 stars; one submission).

Submission:

Women's Health and Genetics/Laboratory Corporation of America, LabCorp
Classification: Uncertain significance. Last evaluated: 2024-11-21. Review status: criteria provided, single submitter. Criteria: LabCorp Variant Classification Summary - May 2015. Collection method: clinical testing. Allele origin: germline.
Comment: Variant summary: TCTN3 c.1441dupT (p.Cys481LeufsX133) causes a frameshift which results in an extension of the protein. The variant allele was found at a frequency of 4e-06 in 249684 control chromosomes. c.1441dupT has been reported in the literature in a setting of whole exome sequencing in at least one homozygous fetus diagnosed with Joubert Syndrome prenatally (e.g. Huang_2022). These data indicate that the variant may be associated with disease. To our knowledge, no experimental evidence demonstrating an impact on protein function has been reported. The following publication has been ascertained in the context of this evaluation (PMID: 36468023). No submitters have cited clinical-significance assessments for this variant to ClinVar. Based on the evidence outlined above, the variant was classified as VUS-possibly pathogenic.

Literature cited by the submitters: PubMed 36468023.